The following is an entry in ClinVar:

NM_017565.4(FAM20A):c.*5T>A

Genes: FAM20A (FAM20A golgi associated secretory pathway pseudokinase; minus strand), PRKAR1A (protein kinase cAMP-dependent type I regulatory subunit alpha; plus strand). Cytogenetic location: 17q24.2.
Variant type: single nucleotide variant.
Coding change: c.*5T>A on transcript NM_017565.4 (MANE Select); 5 bases downstream of the stop codon, T replaced by A.
Molecular consequence: 3 prime UTR variant. On other transcripts: non-coding transcript variant (1), intron variant (1).
Genome position (GRCh38, 1-based): chr17:68,537,472, A>T on the plus strand (T>A on the coding strand, the complement: FAM20A is on the minus strand). VCF-style: chr17-68537472-A-T. GRCh37 (hg19) VCF-style: chr17-66533613-A-T.
Other names: c.*5T>A (NM_001243746.2); c.973+7471A>T (NM_001276290.1).
Identifiers: ClinVar variation 4979696 (VCV004979696.1).

ClinVar aggregate classification (germline): Likely benign (1 of 4 stars; one submission).

Conditions:
FAM20A-related disorder. Also called: FAM20A-related condition.

gnomAD v4.1: 28 of 1,614,074 alleles (0.0017%); highest among the groups gnomAD compares: Non-Finnish European, 0.0023%; no homozygotes.

Submission:

PreventionGenetics, part of Exact Sciences
Classification: Likely benign for FAM20A-related condition. Last evaluated: 2025-03-09. Review status: criteria provided, single submitter. Criteria: ACMG Guidelines, 2015. Collection method: clinical testing. Allele origin: germline.
Comment: This variant is classified as likely benign based on ACMG/AMP sequence variant interpretation guidelines (Richards et al. 2015 PMID: 25741868, with internal and published modifications).